The following is an entry in ClinVar:

NM_002202.3(ISL1):c.440T>G (p.Leu147Arg)

Gene: ISL1 (ISL LIM homeobox 1; plus strand). Cytogenetic location: 5q11.1.
Variant type: single nucleotide variant.
Coding change: c.440T>G on transcript NM_002202.3 (MANE Select); coding-DNA position 440, T replaced by G.
Protein change: p.Leu147Arg; replaces leucine 147 with arginine.
Molecular consequence: missense variant.
Genome position (GRCh38, 1-based): chr5:51,387,711, T>G. VCF-style: chr5-51387711-T-G. GRCh37 (hg19) VCF-style: chr5-50683545-T-G.
Other names: short protein forms L147R.
Identifiers: ClinVar variation 5001229 (VCV005001229.1).

ClinVar aggregate classification (germline): Uncertain significance (1 of 4 stars; one submission).

Conditions:
ISL1-related disorder. Also called: ISL1-related condition.

Submission:

PreventionGenetics, part of Exact Sciences
Classification: Uncertain significance for ISL1-related condition. Last evaluated: 2025-09-17. Review status: criteria provided, single submitter. Criteria: ACMG Guidelines, 2015. Collection method: clinical testing. Allele origin: germline.
Comment: The ISL1 c.440T>G variant is predicted to result in the amino acid substitution p.Leu147Arg. To our knowledge, this variant has not been reported in the literature or in a large population database (gnomAD), indicating this variant is rare. At this time, the clinical significance of this variant is uncertain due to the absence of conclusive functional and genetic evidence.